The following is an entry in ClinVar:

ClinVar aggregate classification (germline): Uncertain significance (1 of 4 stars; one submission).

Allele frequency attached by ClinVar (database versions not stated): gnomAD 0.00001; TOPMed 0.00001; ExAC 0.00002; gnomAD exomes 0.00002; 1000 Genomes Project 30x 0.00016.

Submission:

Labcorp Genetics (formerly Invitae), Labcorp
Classification: Uncertain significance. Last evaluated: 2024-02-17. Review status: criteria provided, single submitter. Criteria: Invitae Variant Classification Sherloc (09022015). Collection method: clinical testing. Allele origin: germline.
Comment: This sequence change replaces serine, which is neutral and polar, with leucine, which is neutral and non-polar, at codon 168 of the DNASE2 protein (p.Ser168Leu). This variant is present in population databases (rs754201510, gnomAD 0.004%). This variant has not been reported in the literature in individuals affected with DNASE2-related conditions. ClinVar contains an entry for this variant (Variation ID: 1367521). Algorithms developed to predict the effect of missense changes on protein structure and function output the following: SIFT: "Not Available"; PolyPhen-2: "Benign"; Align-GVGD: "Not Available". The leucine amino acid residue is found in multiple mammalian species, which suggests that this missense change does not adversely affect protein function. In summary, the available evidence is currently insufficient to determine the role of this variant in disease. Therefore, it has been classified as a Variant of Uncertain Significance.

NM_001375.3(DNASE2):c.503C>T (p.Ser168Leu)

Gene: DNASE2 (deoxyribonuclease 2, lysosomal; minus strand). Cytogenetic location: 19p13.13.
Variant type: single nucleotide variant.
Coding change: c.503C>T on transcript NM_001375.3 (MANE Select); coding-DNA position 503, C replaced by T.
Protein change: p.Ser168Leu; replaces serine 168 with leucine.
Molecular consequence: missense variant.
Genome position (GRCh38, 1-based): chr19:12,878,678, G>A on the plus strand (C>T on the coding strand, the complement: DNASE2 is on the minus strand). VCF-style: chr19-12878678-G-A. GRCh37 (hg19) VCF-style: chr19-12989492-G-A.
Other names: short protein forms S168L.
Identifiers: ClinVar variation 1367521 (VCV001367521.5), dbSNP rs754201510, ClinGen allele CA9233771.